The following is an entry in ClinVar:

NM_006231.4(POLE):c.5995A>G (p.Ile1999Val)

Gene: POLE (DNA polymerase epsilon, catalytic subunit; minus strand). Cytogenetic location: 12q24.33.
Variant type: single nucleotide variant.
Coding change: c.5995A>G on transcript NM_006231.4 (MANE Select); coding-DNA position 5995, A replaced by G.
Protein change: p.Ile1999Val; replaces isoleucine 1999 with valine.
Molecular consequence: missense variant.
Genome position (GRCh38, 1-based): chr12:132,634,195, T>C on the plus strand (A>G on the coding strand, the complement: POLE is on the minus strand). VCF-style: chr12-132634195-T-C. GRCh37 (hg19) VCF-style: chr12-133210781-T-C.
Other names: short protein forms I1999V.
Identifiers: ClinVar variation 1000846 (VCV001000846.7), dbSNP rs2041988946, ClinGen allele CA387371415.

ClinVar aggregate classification (germline): Uncertain significance (1 of 4 stars; one submission).

Conditions:
Colorectal cancer, susceptibility to, 12 (CRCS12). Also called: COLORECTAL CANCER, SUSCEPTIBILITY TO, ON CHROMOSOME 12q24. Identifiers: Orphanet 220460, MedGen C3554460, MONDO:0014038, OMIM 615083.

Submission:

Labcorp Genetics (formerly Invitae), Labcorp
Classification: Uncertain significance for Colorectal cancer, susceptibility to, 12. Last evaluated: 2022-03-05. Review status: criteria provided, single submitter. Criteria: Invitae Variant Classification Sherloc (09022015). Collection method: clinical testing. Allele origin: germline.
Comment: This sequence change replaces isoleucine, which is neutral and non-polar, with valine, which is neutral and non-polar, at codon 1999 of the POLE protein (p.Ile1999Val). This variant is not present in population databases (gnomAD no frequency). This variant has not been reported in the literature in individuals affected with POLE-related conditions. ClinVar contains an entry for this variant (Variation ID: 1000846). Algorithms developed to predict the effect of missense changes on protein structure and function (SIFT, PolyPhen-2, Align-GVGD) all suggest that this variant is likely to be tolerated. In summary, the available evidence is currently insufficient to determine the role of this variant in disease. Therefore, it has been classified as a Variant of Uncertain Significance.